The following is an entry in ClinVar:

ClinVar aggregate classification (germline): Uncertain significance (1 of 4 stars; one submission).

Allele frequency attached by ClinVar (database versions not stated): gnomAD exomes below 0.00001; gnomAD 0.00001; TOPMed 0.00001.
gnomAD v4.1: 6 of 1,508,884 alleles (0.0004%); highest among the groups gnomAD compares: African/African-American, 0.0014%; no homozygotes.

Submission:

Labcorp Genetics (formerly Invitae), Labcorp
Classification: Uncertain significance. Last evaluated: 2022-09-25. Review status: criteria provided, single submitter. Criteria: Invitae Variant Classification Sherloc (09022015). Collection method: clinical testing. Allele origin: germline.
Comment: This variant is not present in population databases (gnomAD no frequency). In summary, the available evidence is currently insufficient to determine the role of this variant in disease. Therefore, it has been classified as a Variant of Uncertain Significance. Algorithms developed to predict the effect of sequence changes on RNA splicing suggest that this variant may create or strengthen a splice site. This variant has not been reported in the literature in individuals affected with DNAJB11-related conditions. This sequence change affects codon 20 of the DNAJB11 mRNA. It is a 'silent' change, meaning that it does not change the encoded amino acid sequence of the DNAJB11 protein.

NM_016306.6(DNAJB11):c.60G>A (p.Val20=)

Genes: DNAJB11 (DnaJ heat shock protein family (Hsp40) member B11; plus strand), LOC129938103 (ATAC-STARR-seq lymphoblastoid silent region 14987; plus strand). Cytogenetic location: 3q27.3.
Variant type: single nucleotide variant.
Coding change: c.60G>A on transcript NM_016306.6 (MANE Select); coding-DNA position 60, G replaced by A.
Protein change: p.Val20=; no amino-acid change (valine 20 retained).
Molecular consequence: synonymous variant. On other transcripts: non-coding transcript variant (6).
Genome position (GRCh38, 1-based): chr3:186,570,957, G>A. VCF-style: chr3-186570957-G-A. GRCh37 (hg19) VCF-style: chr3-186288746-G-A.
Other names: c.60G>A, p.Val20= (NM_001378451.1).
Identifiers: ClinVar variation 2419130 (VCV002419130.8), dbSNP rs1446145842, ClinGen allele CA437357485.